The following is an entry in ClinVar:

ClinVar aggregate classification (germline): Uncertain significance. Review status: criteria provided, multiple submitters, no conflicts (2 of 4 stars). 2 submissions from 2 submitters: Uncertain significance (2). Last evaluated 2022-10-18.

Conditions:
Weill-Marchesani syndrome. Also called: WM Syndrome; Mesodermal dysmorphodystrophy congenital. Identifiers: Orphanet 3449, MedGen C0265313, MONDO:0018096.

Allele frequency attached by ClinVar (database versions not stated): ExAC 0.00005; gnomAD exomes 0.00005; ESP Exome Variant Server 0.00008; gnomAD 0.00006; TOPMed 0.00007.
gnomAD v4.1: 186 of 1,613,574 alleles (0.012%); highest among the groups gnomAD compares: Non-Finnish European, 0.013%; no homozygotes.

Submissions (2):

Labcorp Genetics (formerly Invitae), Labcorp
Classification: Uncertain significance. Last evaluated: 2022-10-18. Review status: criteria provided, single submitter. Criteria: Invitae Variant Classification Sherloc (09022015). Collection method: clinical testing. Allele origin: germline.
Comment: This sequence change replaces arginine, which is basic and polar, with tryptophan, which is neutral and slightly polar, at codon 205 of the ADAMTS10 protein (p.Arg205Trp). This variant is present in population databases (rs147270233, gnomAD 0.007%). This variant has not been reported in the literature in individuals affected with ADAMTS10-related conditions. ClinVar contains an entry for this variant (Variation ID: 330609). Algorithms developed to predict the effect of missense changes on protein structure and function are either unavailable or do not agree on the potential impact of this missense change (SIFT: "Deleterious"; PolyPhen-2: "Benign"; Align-GVGD: "Class C0"). In summary, the available evidence is currently insufficient to determine the role of this variant in disease. Therefore, it has been classified as a Variant of Uncertain Significance.

Illumina Laboratory Services, Illumina
Classification: Uncertain significance for Weill-Marchesani syndrome. Last evaluated: 2018-01-13. Review status: criteria provided, single submitter. Criteria: ICSL Variant Classification Criteria 13 December 2019. Collection method: clinical testing. Allele origin: germline.

NM_030957.4(ADAMTS10):c.613C>T (p.Arg205Trp)

Gene: ADAMTS10 (ADAM metallopeptidase with thrombospondin type 1 motif 10; minus strand). Cytogenetic location: 19p13.2.
Variant type: single nucleotide variant.
Coding change: c.613C>T on transcript NM_030957.4 (MANE Select); coding-DNA position 613, C replaced by T.
Protein change: p.Arg205Trp; replaces arginine 205 with tryptophan.
Molecular consequence: missense variant.
Genome position (GRCh38, 1-based): chr19:8,601,125, G>A on the plus strand (C>T on the coding strand, the complement: ADAMTS10 is on the minus strand). VCF-style: chr19-8601125-G-A. GRCh37 (hg19) VCF-style: chr19-8666009-G-A.
Other names: short protein forms R205W.
Identifiers: ClinVar variation 330609 (VCV000330609.7), dbSNP rs147270233, ClinGen allele CA9160765.